The following is an entry in ClinVar:

ClinVar aggregate classification (germline): Uncertain significance (1 of 4 stars; one submission).

Submission:

Laboratory for Molecular Medicine, Mass General Brigham Personalized Medicine
Classification: Uncertain significance. Last evaluated: 2012-11-29. Review status: criteria provided, single submitter. Criteria: LMM Criteria. Collection method: clinical testing. Allele origin: germline. Observed: 1 variant allele.
Comment: The Pro316Leu variant in PCDH15 has not been reported in the literature nor prev iously identified by our laboratory. Computational analyses (biochemical amino a cid properties, conservation, AlignGVGD, PolyPhen2, and SIFT) suggest that the P ro316Leu variant may impact the protein, though this information is not predicti ve enough to determine pathogenicity. In summary, additional data is needed to d etermine the clinical significance of this variant.

NM_001384140.1(PCDH15):c.947C>T (p.Pro316Leu)

Gene: PCDH15 (protocadherin related 15; minus strand). Cytogenetic location: 10q21.1.
Variant type: single nucleotide variant.
Coding change: c.947C>T on transcript NM_001384140.1 (MANE Select); coding-DNA position 947, C replaced by T.
Protein change: p.Pro316Leu; replaces proline 316 with leucine.
Molecular consequence: missense variant.
Genome position (GRCh38, 1-based): chr10:54,236,861, G>A on the plus strand (C>T on the coding strand, the complement: PCDH15 is on the minus strand). VCF-style: chr10-54236861-G-A. GRCh37 (hg19) VCF-style: chr10-55996621-G-A.
Other names: c.962C>T, p.Pro321Leu (NM_001142763.2, NM_001142769.4, NM_001142771.2); c.947C>T, p.Pro316Leu (NM_001142764.2, NM_001142765.2, NM_001142766.2 and 7 more transcripts); c.836C>T, p.Pro279Leu (NM_001142767.2); c.881C>T, p.Pro294Leu (NM_001142768.2, NM_001142773.2, NM_001354404.2); short protein forms P316L, P294L, P321L, P279L.
Identifiers: ClinVar variation 46512 (VCV000046512.5), dbSNP rs397517469, ClinGen allele CA138496.
Genomic context (GRCh38, chr10:54,236,861, plus strand): 5'-TAAAATGTTATCAGATACAAACCAACAAGGATGGAATAGAGGATTCCTGGCCTATCTGAT[G>A]GCGGTTGAATATTCCGGTCCTGATCAATGGCTTGGATTGGTGGCGTAACAATAATGGGGT-3'
Protein context (NP_001371069.1, residues 306-326): AIDQDRNIQP[Pro316Leu]SDRPGILYSI